The following is an entry in ClinVar:

NM_002519.3(NPAT):c.715G>A (p.Ala239Thr)

Gene: NPAT (nuclear protein, coactivator of histone transcription; minus strand). Cytogenetic location: 11q22.3.
Variant type: single nucleotide variant.
Coding change: c.715G>A on transcript NM_002519.3 (MANE Select); coding-DNA position 715, G replaced by A.
Protein change: p.Ala239Thr; replaces alanine 239 with threonine.
Molecular consequence: missense variant.
Genome position (GRCh38, 1-based): chr11:108,186,493, C>T on the plus strand (G>A on the coding strand, the complement: NPAT is on the minus strand). VCF-style: chr11-108186493-C-T. GRCh37 (hg19) VCF-style: chr11-108057220-C-T.
Other names: c.715G>A, p.Ala239Thr (NM_001321307.1); short protein forms A239T.
Identifiers: ClinVar variation 2453728 (VCV002453728.2), dbSNP rs370897839, ClinGen allele CA228398556.
Genomic context (GRCh38, chr11:108,186,493, plus strand): 5'-TTTAAACTCAGGAATATTTTAAGTTGCAAAGTTTGGCAGAGTCACTTACTTTTTCTACTG[C>T]AAAAGCGTTTGGATCTTGGAAATTCCGTATTGTTGAATGAGGGCCAGACAAAGTGGTACT-3'
Protein context (NP_002510.2, residues 229-249): IRNFQDPNAF[Ala239Thr]VEKQMVIENA

ClinVar aggregate classification (germline): Uncertain significance (1 of 4 stars; one submission).

Allele frequency attached by ClinVar (database versions not stated): TOPMed 0.00001; ESP Exome Variant Server 0.00009.

Submission:

Ambry Genetics
Classification: Uncertain significance. Last evaluated: 2022-11-11. Review status: criteria provided, single submitter. Criteria: Ambry Variant Classification Scheme 2023. Collection method: clinical testing. Allele origin: germline.
Comment: The p.A239T variant (also known as c.715G>A), located in coding exon 8 of the NPAT gene, results from a G to A substitution at nucleotide position 715. The alanine at codon 239 is replaced by threonine, an amino acid with similar properties. This amino acid position is conserved. In addition, this alteration is predicted to be tolerated by in silico analysis. Since supporting evidence is limited at this time, the clinical significance of this alteration remains unclear.